The following is an entry in ClinVar:

NM_014905.5(GLS):c.970A>G (p.Asn324Asp)

Gene: GLS (glutaminase; plus strand). Cytogenetic location: 2q32.2.
Variant type: single nucleotide variant.
Coding change: c.970A>G on transcript NM_014905.5 (MANE Select); coding-DNA position 970, A replaced by G.
Protein change: p.Asn324Asp; replaces asparagine 324 with aspartic acid.
Molecular consequence: missense variant.
Genome position (GRCh38, 1-based): chr2:190,905,158, A>G. VCF-style: chr2-190905158-A-G. GRCh37 (hg19) VCF-style: chr2-191769884-A-G.
Other names: c.970A>G, p.Asn324Asp (NM_001256310.2); short protein forms N324D.
Identifiers: ClinVar variation 3899626 (VCV003899626.1).

ClinVar aggregate classification (germline): Uncertain significance (1 of 4 stars; one submission).

Submission:

GeneDx
Classification: Uncertain significance. Last evaluated: 2024-11-13. Review status: criteria provided, single submitter. Criteria: GeneDx Variant Classification Process June 2021. Collection method: clinical testing. Allele origin: germline. Affected: yes.
Comment: Not observed at significant frequency in large population cohorts (gnomAD); In silico analysis indicates that this missense variant does not alter protein structure/function; Has not been previously published as pathogenic or benign to our knowledge.